The following is an entry in ClinVar:

NM_004973.4(JARID2):c.1360C>A (p.Gln454Lys)

Gene: JARID2 (jumonji and AT-rich interaction domain containing 2; plus strand). Cytogenetic location: 6p22.3.
Variant type: single nucleotide variant.
Coding change: c.1360C>A on transcript NM_004973.4 (MANE Select); coding-DNA position 1360, C replaced by A.
Protein change: p.Gln454Lys; replaces glutamine 454 with lysine.
Molecular consequence: missense variant.
Genome position (GRCh38, 1-based): chr6:15,496,585, C>A. VCF-style: chr6-15496585-C-A. GRCh37 (hg19) VCF-style: chr6-15496816-C-A.
Other names: c.844C>A, p.Gln282Lys (NM_001267040.1); short protein forms Q282K, Q454K.
Identifiers: ClinVar variation 2571783 (VCV002571783.1), dbSNP rs2533082577, ClinGen allele CA362794757.

ClinVar aggregate classification (germline): Uncertain significance (1 of 4 stars; one submission).

Submission:

GeneDx
Classification: Uncertain significance. Last evaluated: 2023-01-10. Review status: criteria provided, single submitter. Criteria: GeneDx Variant Classification Process June 2021. Collection method: clinical testing. Allele origin: germline. Affected: yes.
Comment: Not observed at significant frequency in large population cohorts (gnomAD); In silico analysis supports that this missense variant does not alter protein structure/function; Has not been previously published as pathogenic or benign to our knowledge